The following is an entry in ClinVar:

NM_000532.5(PCCB):c.605G>C (p.Gly202Ala)

Gene: PCCB (propionyl-CoA carboxylase subunit beta; plus strand). Cytogenetic location: 3q22.3.
Variant type: single nucleotide variant.
Coding change: c.605G>C on transcript NM_000532.5 (MANE Select); coding-DNA position 605, G replaced by C.
Protein change: p.Gly202Ala; replaces glycine 202 with alanine.
Molecular consequence: missense variant.
Genome position (GRCh38, 1-based): chr3:136,283,898, G>C. VCF-style: chr3-136283898-G-C. GRCh37 (hg19) VCF-style: chr3-136002740-G-C.
Other names: c.665G>C, p.Gly222Ala (NM_001178014.2); short protein forms G202A, G222A.
Identifiers: ClinVar variation 1809720 (VCV001809720.1), dbSNP rs2529836234, ClinGen allele CA354641887.
Genomic context (GRCh38, chr3:136,283,898, plus strand): 5'-GGAATGTTACGGCATCCGGAGTCATCCCTCAGATTTCTCTGATCATGGGCCCATGTGCTG[G>C]TGGGGCCGTCTACTCCCCAGCCCTAACAGACTTCACGTTCATGGTAAAGGTAAGAAAGAA-3'
Protein context (NP_000523.2, residues 192-212): QISLIMGPCA[Gly202Ala]GAVYSPALTD

ClinVar aggregate classification (germline): Likely pathogenic (1 of 4 stars; one submission).

Submission:

Athena Diagnostics
Classification: Likely pathogenic. Last evaluated: 2019-07-26. Review status: criteria provided, single submitter. Criteria: Athena Diagnostics Criteria. Collection method: clinical testing. Allele origin: unknown.
Comment: This variant has not been reported in large, multi-ethnic general populations. This variant has been detected in trans with a rare PCCB variant in at least one individual with clinical features associated with this gene. This observation is not an independent occurrence and has been identified in the same individual by RCIGM, the other laboratory participating in the GEMINI study.